The following is an entry in ClinVar:

ClinVar aggregate classification (germline): Benign/Likely benign. Review status: criteria provided, multiple submitters, no conflicts (2 of 4 stars). 5 submissions from 5 submitters: Benign (1); Likely benign (4). Last evaluated 2026-08-01.

Conditions:
Ehlers-Danlos syndrome, periodontal type 1. Identifiers: Orphanet 75392, MedGen C4551499, MONDO:0020684, OMIM 130080.

Allele frequency attached by ClinVar (database versions not stated): gnomAD exomes 0.00053; ExAC 0.00215; ESP Exome Variant Server 0.00271; gnomAD 0.00314; 1000 Genomes Project 0.00379; TOPMed 0.00393; 1000 Genomes Project 30x 0.00515.

Submissions (5):

CeGaT Center for Human Genetics Tuebingen
Classification: Likely benign. Last evaluated: 2026-08-01. Review status: criteria provided, single submitter. Criteria: CeGaT Center For Human Genetics Tuebingen Variant Classification Criteria Version 2. Collection method: clinical testing. Allele origin: germline. Affected: yes. Observed: 1 variant allele.
Comment: C1R: BP4, BS1

Women's Health and Genetics/Laboratory Corporation of America, LabCorp
Classification: Benign. Last evaluated: 2026-01-22. Review status: criteria provided, single submitter. Criteria: LabCorp Variant Classification Summary - May 2015. Collection method: clinical testing. Allele origin: germline.

Mayo Clinic Laboratories, Mayo Clinic
Classification: Likely benign. Last evaluated: 2025-01-07. Review status: criteria provided, single submitter. Criteria: ACMG Guidelines, 2015. Collection method: clinical testing. Allele origin: germline. Observed: 1 variant allele.
Comment: BS1, BP4, BP7

Blueprint Genetics
Classification: Likely benign. Last evaluated: 2024-10-24. Review status: criteria provided, single submitter. Criteria: ACMG Guidelines, 2015. Collection method: clinical testing. Allele origin: germline.

Center for Genomics, Ann and Robert H. Lurie Children's Hospital of Chicago
Classification: Likely benign for Ehlers-Danlos syndrome, periodontal type 1. Last evaluated: 2022-07-25. Review status: criteria provided, single submitter. Criteria: ACMG Guidelines, 2015. Collection method: clinical testing. Allele origin: germline.
Comment: This variant has not been reported in the literature but is present in the Genome Aggregation Database (Highest reported MAF 1.0% (416/41446) including 2 homozygotes. Evolutionary conservation and computational predictive tools for this variant are limited or unavailable. This variant is an intronic variant with no predicted change in the amino acid sequence but may have an unknown effect on splicing. Splice prediction tools do not suggest that this variant may affect splicing. However, further studies are needed to understand its impact. In summary, data on this variant suggests that this variant does not cause disease but requires further evidence. Therefore, this variant is classified as likely benign.

NM_001733.7(C1R):c.231+6G>A

Gene: C1R (complement C1r; minus strand). Cytogenetic location: 12p13.31.
Variant type: single nucleotide variant.
Coding change: c.231+6G>A on transcript NM_001733.7 (MANE Select); 6 bases into the intron after coding-DNA position 231, G replaced by A.
Molecular consequence: intron variant.
Genome position (GRCh38, 1-based): chr12:7,091,446, C>T on the plus strand (G>A on the coding strand, the complement: C1R is on the minus strand). VCF-style: chr12-7091446-C-T. GRCh37 (hg19) VCF-style: chr12-7244042-C-T.
Other names: p.?; c.273+6G>A (NM_001354346.2).
Identifiers: ClinVar variation 2500100 (VCV002500100.5), dbSNP rs145563624, ClinGen allele CA6424311.